The following is an entry in ClinVar:

ClinVar aggregate classification (germline): Uncertain significance. Review status: criteria provided, multiple submitters, no conflicts (2 of 4 stars). 3 submissions from 3 submitters: Uncertain significance (3). Last evaluated 2025-12-03.

Conditions:
Tumor predisposition syndrome 3 (TPDS3). Also called: Glioma susceptibility 9; LONG TELOMERE SYNDROME, POT1-RELATED; POT1 Tumor Predisposition; Melanoma, cutaneous malignant, susceptibility to, 10. Identifiers: Orphanet 618, MedGen C4014476, MONDO:0014368, OMIM 615848.
Hereditary cancer-predisposing syndrome. Also called: Tumor predisposition; Hereditary Cancer Syndrome; Hereditary neoplastic syndrome; Neoplastic Syndromes, Hereditary. Identifiers: Orphanet 140162, MedGen C0027672, MeSH D009386, MONDO:0015356.

Allele frequency attached by ClinVar (database versions not stated): TOPMed below 0.00001; gnomAD 0.00001; gnomAD exomes 0.00001; ExAC 0.00002.
gnomAD v4.1: 7 of 1,606,294 alleles (0.00044%); highest among the groups gnomAD compares: Admixed American, 0.0033%; no homozygotes.

Submissions (3):

Labcorp Genetics (formerly Invitae), Labcorp
Classification: Uncertain significance for Tumor predisposition syndrome 3. Last evaluated: 2025-12-03. Review status: criteria provided, single submitter. Criteria: Invitae Variant Classification Sherloc (09022015). Collection method: clinical testing. Allele origin: germline.
Comment: This sequence change replaces tyrosine, which is neutral and polar, with cysteine, which is neutral and slightly polar, at codon 622 of the POT1 protein (p.Tyr622Cys). This variant is present in population databases (rs760062934, gnomAD 0.004%). This variant has not been reported in the literature in individuals affected with POT1-related conditions. ClinVar contains an entry for this variant (Variation ID: 820215). Invitae Evidence Modeling of protein sequence and biophysical properties (such as structural, functional, and spatial information, amino acid conservation, physicochemical variation, residue mobility, and thermodynamic stability) indicates that this missense variant is not expected to disrupt POT1 protein function with a negative predictive value of 80%. In summary, the available evidence is currently insufficient to determine the role of this variant in disease. Therefore, it has been classified as a Variant of Uncertain Significance.

Ambry Genetics
Classification: Uncertain significance for Hereditary cancer-predisposing syndrome. Last evaluated: 2025-10-07. Review status: criteria provided, single submitter. Criteria: Ambry Variant Classification Scheme 2023. Collection method: clinical testing. Allele origin: germline.
Comment: The p.Y622C variant (also known as c.1865A>G), located in coding exon 15 of the POT1 gene, results from an A to G substitution at nucleotide position 1865. The tyrosine at codon 622 is replaced by cysteine, an amino acid with highly dissimilar properties. This amino acid position is highly conserved in available vertebrate species. In addition, this alteration is predicted to be deleterious by in silico analysis. Based on the available evidence, the clinical significance of this variant remains unclear.

GeneDx
Classification: Uncertain significance. Last evaluated: 2022-08-09. Review status: criteria provided, single submitter. Criteria: GeneDx Variant Classification Process June 2021. Collection method: clinical testing. Allele origin: germline. Affected: yes.
Comment: Not observed at significant frequency in large population cohorts (gnomAD); In silico analysis supports that this missense variant has a deleterious effect on protein structure/function; Has not been previously published as pathogenic or benign to our knowledge; This variant is associated with the following publications: (PMID: 28393830)

NM_015450.3(POT1):c.1865A>G (p.Tyr622Cys)

Gene: POT1 (protection of telomeres 1; minus strand). Cytogenetic location: 7q31.33.
Variant type: single nucleotide variant.
Coding change: c.1865A>G on transcript NM_015450.3 (MANE Select); coding-DNA position 1865, A replaced by G.
Protein change: p.Tyr622Cys; replaces tyrosine 622 with cysteine.
Molecular consequence: missense variant. On other transcripts: non-coding transcript variant (3).
Genome position (GRCh38, 1-based): chr7:124,824,002, T>C on the plus strand (A>G on the coding strand, the complement: POT1 is on the minus strand). VCF-style: chr7-124824002-T-C. GRCh37 (hg19) VCF-style: chr7-124464056-T-C.
Other names: c.1472A>G, p.Tyr491Cys (NM_001042594.2); short protein forms Y622C, Y491C.
Identifiers: ClinVar variation 820215 (VCV000820215.13), dbSNP rs760062934, ClinGen allele CA4464954.